The following is an entry in ClinVar:

NM_014727.3(KMT2B):c.668C>T (p.Pro223Leu)

Gene: KMT2B (lysine methyltransferase 2B; plus strand). Cytogenetic location: 19q13.12.
Variant type: single nucleotide variant.
Coding change: c.668C>T on transcript NM_014727.3 (MANE Select); coding-DNA position 668, C replaced by T.
Protein change: p.Pro223Leu; replaces proline 223 with leucine.
Molecular consequence: missense variant.
Genome position (GRCh38, 1-based): chr19:35,720,015, C>T. VCF-style: chr19-35720015-C-T. GRCh37 (hg19) VCF-style: chr19-36210917-C-T.
Other names: short protein forms P223L.
Identifiers: ClinVar variation 3618555 (VCV003618555.2).

ClinVar aggregate classification (germline): Uncertain significance (1 of 4 stars; one submission).

Submission:

Labcorp Genetics (formerly Invitae), Labcorp
Classification: Uncertain significance. Last evaluated: 2024-03-10. Review status: criteria provided, single submitter. Criteria: Invitae Variant Classification Sherloc (09022015). Collection method: clinical testing. Allele origin: germline.
Comment: This sequence change replaces proline, which is neutral and non-polar, with leucine, which is neutral and non-polar, at codon 223 of the KMT2B protein (p.Pro223Leu). This variant is not present in population databases (gnomAD no frequency). This variant has not been reported in the literature in individuals affected with KMT2B-related conditions. Advanced modeling of protein sequence and biophysical properties (such as structural, functional, and spatial information, amino acid conservation, physicochemical variation, residue mobility, and thermodynamic stability) performed at Invitae indicates that this missense variant is not expected to disrupt KMT2B protein function with a negative predictive value of 95%. In summary, the available evidence is currently insufficient to determine the role of this variant in disease. Therefore, it has been classified as a Variant of Uncertain Significance.